The following is an entry in ClinVar:

NM_004186.5(SEMA3F):c.966C>T (p.Leu322=)

Gene: SEMA3F (semaphorin 3F; plus strand). Cytogenetic location: 3p21.31.
Variant type: single nucleotide variant.
Coding change: c.966C>T on transcript NM_004186.5 (MANE Select); coding-DNA position 966, C replaced by T.
Protein change: p.Leu322=; no amino-acid change (leucine 322 retained).
Molecular consequence: synonymous variant.
Genome position (GRCh38, 1-based): chr3:50,182,966, C>T. VCF-style: chr3-50182966-C-T. GRCh37 (hg19) VCF-style: chr3-50220399-C-T.
Other names: c.669C>T, p.Leu223= (NM_001318798.2); c.873C>T, p.Leu291= (NM_001318800.2).
Identifiers: ClinVar variation 4985362 (VCV004985362.1).

ClinVar aggregate classification (germline): Likely benign (1 of 4 stars; one submission).

Conditions:
SEMA3F-related disorder. Also called: SEMA3F-related condition.

Submission:

PreventionGenetics, part of Exact Sciences
Classification: Likely benign for SEMA3F-related condition. Last evaluated: 2025-10-22. Review status: criteria provided, single submitter. Criteria: ACMG Guidelines, 2015. Collection method: clinical testing. Allele origin: germline.
Comment: This variant is classified as likely benign based on ACMG/AMP sequence variant interpretation guidelines (Richards et al. 2015 PMID: 25741868, with internal and published modifications).